The following is an entry in ClinVar:

NM_139318.5(KCNH5):c.226A>G (p.Lys76Glu)

Gene: KCNH5 (potassium voltage-gated channel subfamily H member 5; minus strand). Cytogenetic location: 14q23.2.
Variant type: single nucleotide variant.
Coding change: c.226A>G on transcript NM_139318.5 (MANE Select); coding-DNA position 226, A replaced by G.
Protein change: p.Lys76Glu; replaces lysine 76 with glutamic acid.
Molecular consequence: missense variant.
Genome position (GRCh38, 1-based): chr14:63,006,444, T>C on the plus strand (A>G on the coding strand, the complement: KCNH5 is on the minus strand). VCF-style: chr14-63006444-T-C. GRCh37 (hg19) VCF-style: chr14-63473162-T-C.
Other names: c.226A>G, p.Lys76Glu (NM_172375.3); short protein forms K76E.
Identifiers: ClinVar variation 1717476 (VCV001717476.5), dbSNP rs1295786747, ClinGen allele CA390106172.

ClinVar aggregate classification (germline): Uncertain significance (1 of 4 stars; one submission).

Conditions:
Early-infantile DEE. Also called: Early infantile epileptic encephalopathy with suppression bursts; Early infantile epileptic encephalopathy; Ohtahara syndrome. Identifiers: Orphanet 1934, MedGen C0393706, MONDO:0800491.

Allele frequency attached by ClinVar (database versions not stated): gnomAD 0.00004; gnomAD exomes below 0.00001.
gnomAD v4.1: 11 of 1,611,884 alleles (0.00068%); highest among the groups gnomAD compares: Non-Finnish European, 0.00093%; no homozygotes.

Submission:

Labcorp Genetics (formerly Invitae), Labcorp
Classification: Uncertain significance for Early-infantile DEE. Last evaluated: 2023-11-27. Review status: criteria provided, single submitter. Criteria: Invitae Variant Classification Sherloc (09022015). Collection method: clinical testing. Allele origin: germline.
Comment: This sequence change replaces lysine, which is basic and polar, with glutamic acid, which is acidic and polar, at codon 76 of the KCNH5 protein (p.Lys76Glu). This variant is present in population databases (no rsID available, gnomAD 0.003%). This variant has not been reported in the literature in individuals affected with KCNH5-related conditions. ClinVar contains an entry for this variant (Variation ID: 1717476). Advanced modeling of protein sequence and biophysical properties (such as structural, functional, and spatial information, amino acid conservation, physicochemical variation, residue mobility, and thermodynamic stability) performed at Invitae indicates that this missense variant is not expected to disrupt KCNH5 protein function with a negative predictive value of 80%. In summary, the available evidence is currently insufficient to determine the role of this variant in disease. Therefore, it has been classified as a Variant of Uncertain Significance.